The following is an entry in ClinVar:

ClinVar aggregate classification (germline): Uncertain significance (1 of 4 stars; one submission).

Conditions:
PLEC-related disorder. Also called: PLEC-related condition; PLEC-related disorders.

gnomAD v4.1: 27 of 1,574,730 alleles (0.0017%); highest among the groups gnomAD compares: Admixed American, 0.047%; 1 homozygote.

Submission:

PreventionGenetics, part of Exact Sciences
Classification: Uncertain significance for PLEC-related condition. Last evaluated: 2025-12-18. Review status: criteria provided, single submitter. Criteria: ACMG Guidelines, 2015. Collection method: clinical testing. Allele origin: germline.
Comment: The PLEC c.386G>T variant is predicted to result in the amino acid substitution p.Arg129Leu. To our knowledge, this variant has not been reported in the literature. This variant is intronic in an alternative transcript NM_000445:c.194-11629G>T. This variant is reported in 0.056% of alleles in individuals of Latino descent in gnomAD. Although we suspect that this variant may be benign, at this time, the clinical significance of this variant is uncertain due to the absence of conclusive functional and genetic evidence.

NM_201378.4(PLEC):c.71-11629G>T

Gene: PLEC (plectin; minus strand). Cytogenetic location: 8q24.3.
Variant type: single nucleotide variant.
Coding change: c.71-11629G>T on transcript NM_201378.4 (MANE Plus Clinical); 11629 bases into the intron before coding-DNA position 71, G replaced by T.
Molecular consequence: intron variant. On other transcripts: missense variant (1).
Genome position (GRCh38, 1-based): chr8:143,950,321, C>A on the plus strand (G>T on the coding strand, the complement: PLEC is on the minus strand). VCF-style: chr8-143950321-C-A. GRCh37 (hg19) VCF-style: chr8-145024489-C-A.
Other names: c.386G>T, p.Arg129Leu (NM_201380.4); c.194-11629G>T (NM_001410941.1, NM_000445.5); c.46+3405G>T (NM_201379.3); short protein forms R129L.
Identifiers: ClinVar variation 4978372 (VCV004978372.1).